The following is an entry in ClinVar:

ClinVar aggregate classification (germline): Uncertain significance (1 of 4 stars; one submission).

Conditions:
Autosomal recessive severe congenital neutropenia due to G6PC3 deficiency. Also called: NEUTROPENIA, SEVERE CONGENITAL, 4, AUTOSOMAL RECESSIVE; G6PC3 Deficiency. Identifiers: Orphanet 331176, MedGen C2751630, MONDO:0012930, OMIM 612541.

Submission:

Labcorp Genetics (formerly Invitae), Labcorp
Classification: Uncertain significance for Autosomal recessive severe congenital neutropenia due to G6PC3 deficiency. Last evaluated: 2023-04-09. Review status: criteria provided, single submitter. Criteria: Invitae Variant Classification Sherloc (09022015). Collection method: clinical testing. Allele origin: germline.
Comment: In summary, the available evidence is currently insufficient to determine the role of this variant in disease. Therefore, it has been classified as a Variant of Uncertain Significance. Advanced modeling of protein sequence and biophysical properties (such as structural, functional, and spatial information, amino acid conservation, physicochemical variation, residue mobility, and thermodynamic stability) has been performed at Invitae for this missense variant, however the output from this modeling did not meet the statistical confidence thresholds required to predict the impact of this variant on G6PC3 protein function. This variant has not been reported in the literature in individuals affected with G6PC3-related conditions. This variant is not present in population databases (gnomAD no frequency). This sequence change replaces arginine, which is basic and polar, with proline, which is neutral and non-polar, at codon 237 of the G6PC3 protein (p.Arg237Pro).

NM_138387.4(G6PC3):c.710G>C (p.Arg237Pro)

Gene: G6PC3 (glucose-6-phosphatase catalytic subunit 3; plus strand). Cytogenetic location: 17q21.31.
Variant type: single nucleotide variant.
Coding change: c.710G>C on transcript NM_138387.4 (MANE Select); coding-DNA position 710, G replaced by C.
Protein change: p.Arg237Pro; replaces arginine 237 with proline.
Molecular consequence: missense variant. On other transcripts: 3 prime UTR variant (1).
Genome position (GRCh38, 1-based): chr17:44,075,712, G>C. VCF-style: chr17-44075712-G-C. GRCh37 (hg19) VCF-style: chr17-42153080-G-C.
Other names: c.*3G>C (NM_001319945.2); c.365G>C, p.Arg122Pro (NM_001384165.1, NM_001384166.1, NM_001384167.1 and 1 more transcripts); short protein forms R122P, R237P.
Identifiers: ClinVar variation 2854417 (VCV002854417.3), dbSNP rs768565958, ClinGen allele CA399729160.